The following is an entry in ClinVar:

ClinVar aggregate classification (germline): Pathogenic (1 of 4 stars; one submission).

Submission:

Labcorp Genetics (formerly Invitae), Labcorp
Classification: Pathogenic. Last evaluated: 2021-06-30. Review status: criteria provided, single submitter. Criteria: Invitae Variant Classification Sherloc (09022015). Collection method: clinical testing. Allele origin: germline.
Comment: This variant is a gross deletion of the genomic region encompassing exon(s) 23-31 of the NBAS gene. This deletion is out-of-frame, and is expected to create a premature translational stop signal and result in an absent or disrupted protein product. Loss-of-function variants in NBAS are known to be pathogenic (PMID: 26073778, 26541327, 27789416, 28031453). This variant has not been reported in the literature in individuals affected with NBAS-related conditions. For these reasons, this variant has been classified as Pathogenic.

Literature cited by the submitters: PubMed 26073778; PubMed 26541327; PubMed 27789416; PubMed 28031453.

NC_000002.11:g.(?_15514712)_(15564612_?)del

Gene: NBAS (NBAS subunit of NRZ tethering complex; minus strand). Cytogenetic location: 2p24.3.
Variant type: Deletion.
Identifiers: ClinVar variation 1451402 (VCV001451402.4).